The following is an entry in ClinVar:

ClinVar aggregate classification (germline): Benign/Likely benign. Review status: criteria provided, multiple submitters, no conflicts (2 of 4 stars). 3 submissions from 3 submitters: Benign (1); Likely benign (2). Last evaluated 2024-08-09.

Conditions:
Hereditary cancer-predisposing syndrome. Also called: Tumor predisposition; Neoplastic Syndromes, Hereditary; Hereditary Cancer Syndrome; Hereditary neoplastic syndrome. Identifiers: Orphanet 140162, MedGen C0027672, MeSH D009386, MONDO:0015356.
Fanconi anemia complementation group J. Also called: BRIP1-Related Fanconi Anemia. Identifiers: Orphanet 84, MedGen C1836860, MONDO:0012187, OMIM 609054.
Familial cancer of breast. Also called: BREAST CANCER, FAMILIAL; Hereditary breast cancer; hereditary breast carcinoma. Identifiers: Orphanet 227535, MedGen C0346153, MONDO:0016419, OMIM 114480. Disease mechanism: loss of function.

Submissions (3):

Myriad Genetics, Inc.
Classification: Benign for Familial cancer of breast. Last evaluated: 2024-08-09. Review status: criteria provided, single submitter. Criteria: Myriad Autosomal Dominant, Autosomal Recessive and X-Linked Classification Criteria (2023). Collection method: clinical testing. Allele origin: unknown.
Comment: This variant is considered benign. This variant is a silent/synonymous amino acid change and it is not expected to impact splicing.

Labcorp Genetics (formerly Invitae), Labcorp
Classification: Likely benign for Familial cancer of breast; Fanconi anemia complementation group J. Last evaluated: 2024-05-07. Review status: criteria provided, single submitter. Criteria: Invitae Variant Classification Sherloc (09022015). Collection method: clinical testing. Allele origin: germline.

Ambry Genetics
Classification: Likely benign for Hereditary cancer-predisposing syndrome. Last evaluated: 2016-03-21. Review status: criteria provided, single submitter. Criteria: Ambry Variant Classification Scheme 2023. Collection method: clinical testing. Allele origin: germline.

NM_032043.3(BRIP1):c.75G>A (p.Gln25=)

Gene: BRIP1 (BRCA1 interacting DNA helicase 1; minus strand). Cytogenetic location: 17q23.2.
Variant type: single nucleotide variant.
Coding change: c.75G>A on transcript NM_032043.3 (MANE Select); coding-DNA position 75, G replaced by A.
Protein change: p.Gln25=; no amino-acid change (glutamine 25 retained).
Molecular consequence: synonymous variant.
Genome position (GRCh38, 1-based): chr17:61,861,465, C>T on the plus strand (G>A on the coding strand, the complement: BRIP1 is on the minus strand). VCF-style: chr17-61861465-C-T. GRCh37 (hg19) VCF-style: chr17-59938826-C-T.
Identifiers: ClinVar variation 479422 (VCV000479422.15), dbSNP rs1555618712, ClinGen allele CA501151832.